The following is an entry in ClinVar:

NM_004006.3(DMD):c.2201G>A (p.Trp734Ter)

Gene: DMD (dystrophin; minus strand). Cytogenetic location: Xp21.1.
Variant type: single nucleotide variant.
Coding change: c.2201G>A on transcript NM_004006.3 (MANE Select); coding-DNA position 2201, G replaced by A.
Protein change: p.Trp734Ter; replaces tryptophan 734 with a stop codon.
Molecular consequence: nonsense.
Genome position (GRCh38, 1-based): chrX:32,518,099, C>T on the plus strand (G>A on the coding strand, the complement: DMD is on the minus strand). VCF-style: chrX-32518099-C-T. GRCh37 (hg19) VCF-style: chrX-32536216-C-T.
Other names: c.2177G>A, p.Trp726Ter (NM_000109.4); c.2189G>A, p.Trp730Ter (NM_004009.3); c.1832G>A, p.Trp611Ter (NM_004010.3); short protein forms W730*, W734*, W611*, W726*.
Identifiers: ClinVar variation 2780463 (VCV002780463.3), dbSNP rs2525547635, ClinGen allele CA412664061.
Genomic context (GRCh38, chrX:32,518,099, plus strand): 5'-CCTTCCTTCCGAAAGATTGCAAATTCAGGACTCTGCAACACAGCTTCTGAGCGAGTAATC[C>T]AGCTGTGAAGTTCAGTTATATCAACATCCAACCTAAGACAGCAAAAAATAAAAGTCATTA-3'

ClinVar aggregate classification (germline): Pathogenic (1 of 4 stars; one submission).

Conditions:
Duchenne muscular dystrophy (DMD). Also called: MUSCULAR DYSTROPHY, PSEUDOHYPERTROPHIC PROGRESSIVE, DUCHENNE TYPE; Duchenne Muscular Dystrophy (DMD). Identifiers: Orphanet 98896, MedGen C0013264, MONDO:0010679, OMIM 310200.

Submission:

Labcorp Genetics (formerly Invitae), Labcorp
Classification: Pathogenic for Duchenne muscular dystrophy. Last evaluated: 2023-05-22. Review status: criteria provided, single submitter. Criteria: Invitae Variant Classification Sherloc (09022015). Collection method: clinical testing. Allele origin: germline.
Comment: This premature translational stop signal has been observed in individual(s) with clinical features of DMD-related conditions (PMID: 32813700). This sequence change creates a premature translational stop signal (p.Trp734*) in the DMD gene. It is expected to result in an absent or disrupted protein product. Loss-of-function variants in DMD are known to be pathogenic (PMID: 16770791, 25007885). This variant is not present in population databases (gnomAD no frequency). For these reasons, this variant has been classified as Pathogenic.

Literature cited by the submitters: PubMed 32813700; PubMed 16770791; PubMed 25007885.